The following is an entry in ClinVar:

NM_000545.8(HNF1A):c.1840_1841del (p.Asn614fs)

Genes: C12orf43 (chromosome 12 open reading frame 43; minus strand), HNF1A (HNF1 homeobox A; plus strand). Cytogenetic location: 12q24.31.
Variant type: Deletion.
Coding change: c.1840_1841del on transcript NM_000545.8 (MANE Select); coding-DNA positions 1840 to 1841, 2 bases deleted (AA; older notation c.1840_1841delAA).
Protein change: p.Asn614fs; shifts the reading frame from asparagine 614.
Molecular consequence: frameshift variant. On other transcripts: 3 prime UTR variant (3).
Genome position (GRCh38, 1-based): chr12:121,001,136-121,001,137, AA deleted. VCF-style (leftmost placement, unchanged base first): chr12-121001135-CAA-C. GRCh37 (hg19) VCF-style: chr12-121438938-CAA-C.
Other names: NM_022895.3:c.*3016_*3017del; NM_000545.8(HNF1A):c.1840_1841del; p.Asn614fs; c.*3016_*3017del (NM_001286191.2, NM_001286196.2, NM_022895.3); c.1861_1862del, p.Asn621fs (NM_001306179.2); c.1648_1649del, p.Asn550fs (NM_001406915.1); short protein forms N614fs, N621fs, N550fs.
Identifiers: ClinVar variation 1687087 (VCV001687087.4), dbSNP rs2135854670, ClinGen allele CA2573051046.
Genomic context (GRCh38, chr12:121,001,135, plus strand): 5'-CAGCCTGGTGCTGTACCAGAGCTCAGACTCCAGCAATGGCCAGAGCCACCTGCTGCCATC[CAA>C]CCACAGCGTCATCGAGACCTTCATCTCCACCCAGATGGCCTCTTCCTCCCAGTAACCACG-3'

ClinVar aggregate classification (germline): Likely pathogenic (3 of 4 stars; one submission).

Conditions:
Monogenic diabetes. Identifiers: Orphanet 183625, MedGen C3888631, MONDO:0015967.

Submission:

ClinGen Monogenic Diabetes Variant Curation Expert Panel
Classification: Likely pathogenic for Monogenic diabetes. Last evaluated: 2025-10-03. Review status: reviewed by expert panel. Criteria: ClinGen Diabetes ACMG Specifications HNF1A V3.0.0. Collection method: curation. Allele origin: germline. Inheritance: Autosomal dominant inheritance.
Comment: The c.1840_1841del variant in the HNF1 homeobox A gene, HNF1A, causes a frameshift in the protein at codon 614, adding 34 novel amino acids before encountering a stop codon (p.(Asn614ProfsTer34) in NM_000545.8. While this variant, located 5' of c.1854 in exon 10 of 10, is not predicted to result in nonsense mediated decay of the transcript, it will significantly disrupt the transactivation domain of the protein (PVS1_Strong). This variant is absent from gnomAD v4.1.0 (PM2_Supporting). Additionally, this variant was identified in an individual with a clinical history highly specific for HNF1A-MODY (MODY probability calculator result >50%, negative genetic testing for HNF4A) (PP4; internal lab contributors). This variant segregated with diabetes with two informative meioses in a single family with MODY; however, this does not meet the thresholds for PP1 set by the ClinGen MDEP (PMID: 27236918, internal lab contributors). In summary, c.1840_1841del meets the criteria to be classified as likely pathogenic for monogenic diabetes. ACMG/AMP criteria applied, as specified by the ClinGen MDEP (specification version 3.0.0, approved 6/30/2025): PVS1_Strong, PM2_Supporting, PP4.